The following is an entry in ClinVar:

NM_000038.6(APC):c.6850C>A (p.Pro2284Thr)

Gene: APC (APC regulator of Wnt signaling pathway; plus strand). Cytogenetic location: 5q22.2.
Variant type: single nucleotide variant.
Coding change: c.6850C>A on transcript NM_000038.6 (MANE Select); coding-DNA position 6850, C replaced by A.
Protein change: p.Pro2284Thr; replaces proline 2284 with threonine.
Molecular consequence: missense variant.
Genome position (GRCh38, 1-based): chr5:112,842,444, C>A. VCF-style: chr5-112842444-C-A. GRCh37 (hg19) VCF-style: chr5-112178141-C-A.
Other names: c.6850C>A, p.Pro2284Thr (NM_001127510.3, NM_001354895.2); c.6796C>A, p.Pro2266Thr (NM_001127511.3); c.6904C>A, p.Pro2302Thr (NM_001354896.2); c.6880C>A, p.Pro2294Thr (NM_001354897.2); c.6775C>A, p.Pro2259Thr (NM_001354898.2); c.6766C>A, p.Pro2256Thr (NM_001354899.2); c.6727C>A, p.Pro2243Thr (NM_001354900.2); c.6673C>A, p.Pro2225Thr (NM_001354901.2); and 5 more; short protein forms P2266T, P2284T, P2225T, P2294T, P2302T, P2158T, P2243T, P2256T.
Identifiers: ClinVar variation 438886 (VCV000438886.6), dbSNP rs1554087789, ClinGen allele CA16036285.

ClinVar aggregate classification (germline): Uncertain significance. Review status: criteria provided, multiple submitters, no conflicts (2 of 4 stars). 3 submissions from 3 submitters: Uncertain significance (2). 1 of the submissions does not count toward it. Last evaluated 2022-12-02.

Conditions:
Familial adenomatous polyposis 1 (FAP1). Also called: POLYPOSIS, ADENOMATOUS INTESTINAL; FAMILIAL ADENOMATOUS POLYPOSIS 1, ATTENUATED. Identifiers: MedGen C2713442, MONDO:0021056, OMIM 175100. Disease mechanism: loss of function.

Submissions (3):

Labcorp Genetics (formerly Invitae), Labcorp
Classification: Uncertain significance for Familial adenomatous polyposis 1. Last evaluated: 2022-12-02. Review status: criteria provided, single submitter. Criteria: Invitae Variant Classification Sherloc (09022015). Collection method: clinical testing. Allele origin: germline.
Comment: Advanced modeling of protein sequence and biophysical properties (such as structural, functional, and spatial information, amino acid conservation, physicochemical variation, residue mobility, and thermodynamic stability) performed at Invitae indicates that this missense variant is not expected to disrupt APC protein function. In summary, the available evidence is currently insufficient to determine the role of this variant in disease. Therefore, it has been classified as a Variant of Uncertain Significance. ClinVar contains an entry for this variant (Variation ID: 438886). This variant has not been reported in the literature in individuals affected with APC-related conditions. This variant is not present in population databases (gnomAD no frequency). This sequence change replaces proline, which is neutral and non-polar, with threonine, which is neutral and polar, at codon 2284 of the APC protein (p.Pro2284Thr).

Quest Diagnostics Nichols Institute San Juan Capistrano
Classification: Uncertain significance. Last evaluated: 2016-12-02. Review status: criteria provided, single submitter. Criteria: Quest Diagnostics criteria. Collection method: clinical testing. Allele origin: germline.

Counsyl
Classification: Uncertain significance for Familial adenomatous polyposis 1. Last evaluated: 2018-02-14. Review status: no assertion criteria provided. Collection method: clinical testing. Allele origin: unknown. Not counted in ClinVar's aggregate classification.